The following is an entry in ClinVar:

NM_020975.6(RET):c.444C>G (p.Ser148=)

Gene: RET (ret proto-oncogene; plus strand). Cytogenetic location: 10q11.21.
Variant type: single nucleotide variant.
Coding change: c.444C>G on transcript NM_020975.6 (MANE Select); coding-DNA position 444, C replaced by G.
Protein change: p.Ser148=; no amino-acid change (serine 148 retained).
Molecular consequence: synonymous variant. On other transcripts: intron variant (22).
Genome position (GRCh38, 1-based): chr10:43,102,448, C>G. VCF-style: chr10-43102448-C-G. GRCh37 (hg19) VCF-style: chr10-43597896-C-G.
Other names: c.444C>G, p.Ser148= (NM_000323.2, NM_001406743.1, NM_001406744.1 and 16 more transcripts); c.338-23C>G (NM_001406764.1, NM_001406762.1, NM_001406761.1 and 4 more transcripts); c.337+1726C>G (NM_001406770.1, NM_001406766.1, NM_001406767.1 and 8 more transcripts); c.74-6583C>G (NM_001406784.1); c.74-9651C>G (NM_001406794.1, NM_001406792.1, NM_001406793.1).
Identifiers: ClinVar variation 486355 (VCV000486355.18), dbSNP rs1554817550, ClinGen allele CA469279449.

ClinVar aggregate classification (germline): Likely benign. Review status: criteria provided, multiple submitters, no conflicts (2 of 4 stars). 3 submissions from 3 submitters: Likely benign (3). Last evaluated 2025-09-10.

Conditions:
Hereditary cancer-predisposing syndrome. Also called: Tumor predisposition; Hereditary Cancer Syndrome; Hereditary neoplastic syndrome; Neoplastic Syndromes, Hereditary. Identifiers: Orphanet 140162, MedGen C0027672, MeSH D009386, MONDO:0015356.
Multiple endocrine neoplasia, type 2 (MEN2). Identifiers: Orphanet 653, MedGen C4048306, MONDO:0019003. Disease mechanism: gain of function.

Allele frequency attached by ClinVar (database versions not stated): TOPMed below 0.00001; gnomAD 0.00001.
gnomAD v4.1: 1 of 1,614,142 alleles (0.000062%); highest among the groups gnomAD compares: Admixed American, 0.0017%; no homozygotes.

Submissions (3):

Labcorp Genetics (formerly Invitae), Labcorp
Classification: Likely benign for Multiple endocrine neoplasia, type 2. Last evaluated: 2025-09-10. Review status: criteria provided, single submitter. Criteria: Invitae Variant Classification Sherloc (09022015). Collection method: clinical testing. Allele origin: germline.

All of Us Research Program, National Institutes of Health
Classification: Likely benign for Multiple endocrine neoplasia, type 2. Last evaluated: 2023-11-02. Review status: criteria provided, single submitter. Criteria: ACMG Guidelines, 2015. Collection method: clinical testing. Allele origin: germline. Inheritance: Autosomal dominant inheritance. Observed: 1 variant allele, 1 heterozygote.
Comment: This study involves interpretation of variants in research participants for the purpose of population health screening. Participant phenotype was not available at the time of variant classification. Additional details can be found in publication PMID: 35346344, PMCID: PMC8962531

Ambry Genetics
Classification: Likely benign for Hereditary cancer-predisposing syndrome. Last evaluated: 2017-06-15. Review status: criteria provided, single submitter. Criteria: Ambry Variant Classification Scheme 2023. Collection method: clinical testing. Allele origin: germline.